The following is an entry in ClinVar:

ClinVar aggregate classification (germline): Conflicting classifications of pathogenicity. Review status: criteria provided, conflicting classifications (1 of 4 stars). 15 submissions from 15 submitters: Likely pathogenic (1); Uncertain significance (12). 2 of the submissions do not count toward it. Last evaluated 2026-07-08.

Conditions:
TTR-related disorder. Also called: TTR-related condition; TTR-related disorders.
Amyloidosis, hereditary systemic 1 (AMYLD1). Also called: Hereditary Transthyretin Amyloidosis; Isolated Cardiac Amyloidosis; Amyloid Cardiomyopathy, Transthyretin-related; Hereditary oculoleptomeningeal amyloid angiopathy; Familial Transthyretin Amyloidosis; AMYLOID CARDIOMYOPATHY. Identifiers: Orphanet 85447, Orphanet 85451, MedGen C2751492, MONDO:0971004, OMIM 105210.
Hyperthyroxinemia, dystransthyretinemic. Also called: HYPERTHYROXINEMIA, DYSPREALBUMINEMIC; EUTHRYROIDAL HYPERTHYROXINEMIA 2. Identifiers: MedGen C2750824, MONDO:0007785, OMIM 145680.
Carpal tunnel syndrome 1 (CTS1). Also called: Carpal tunnel syndrome, familial. Identifiers: MedGen C5779776, MONDO:0020730, OMIM 115430.
Cardiovascular phenotype. Identifiers: MedGen CN230736.
Charcot-Marie-Tooth disease. Also called: Charcot-Marie-Tooth Hereditary Neuropathy; Charcot-Marie-Tooth Neuropathy. Identifiers: Orphanet 166, MedGen C0007959, MONDO:0015626.

Allele frequency attached by ClinVar (database versions not stated): ExAC 0.00002; gnomAD exomes 0.00004 and 0.00006; TOPMed 0.00005; gnomAD 0.00007.
gnomAD v4.1: 95 of 1,614,050 alleles (0.0059%); highest among the groups gnomAD compares: Non-Finnish European, 0.0076%; no homozygotes.

Submissions 1 to 8 of 15:

Ambry Genetics
Classification: Uncertain significance for Cardiovascular phenotype. Last evaluated: 2026-07-08. Review status: criteria provided, single submitter. Criteria: Ambry Variant Classification Scheme 2023. Collection method: clinical testing. Allele origin: germline.
Comment: The p.D94H variant (also known as c.280G>C), located in coding exon 3 of the TTR gene, results from a G to C substitution at nucleotide position 280. The aspartic acid at codon 94 is replaced by histidine, an amino acid with similar properties. This variant was first reported in 7 German individuals with no family history of amyloidosis (Umechi T et al. Amyloid, 1994;1(3):149-53). This variant was reported in an individual with hypertrophic cardiomyopathy in conjunction with a variant in another cardiac gene, and has also been detected in a Charcot-Marie-Tooth disease cohort (Viswanathan SK et al. PLoS ONE, 2017 Nov;12:e0187948; Volodarsky M et al. J Med Genet. 2021 04;58(4):284-288). This variant was also reported in amyloidosis cohort studies, though patient-specific details were limited (Bhatt K et al. J Am Heart Assoc, 2024 Dec;13:e033770; R&ouml;sner S et al. J Clin Med, 2024 Oct;13:; Singh A et al. J Clin Med, 2025 Sep;14:). This amino acid position is well conserved in available vertebrate species. In addition, this alteration is predicted to be deleterious by in silico analysis. Based on the available evidence, the clinical significance of this variant remains unclear.

PreventionGenetics, part of Exact Sciences
Classification: Uncertain significance for TTR-related condition. Last evaluated: 2026-04-27. Review status: criteria provided, single submitter. Criteria: ACMG Guidelines, 2015. Collection method: clinical testing. Allele origin: germline.
Comment: The TTR c.280G>C variant is predicted to result in the amino acid substitution p.Asp94His. This variant is also referred to as p.Asp74His using legacy nomenclature. This variant has been reported in an individual with hypertrophic cardiomyopathy (Table S4, Viswanathan et al. 2017. PubMed ID: 29121657), an individual with Charcot-Marie-Tooth disease (Table S2, Volodarsky et al. 2020. PubMed ID: 32376792), and in individuals with polyneuropathy (Skrahina et al. 2021. PubMed ID: 34658264; Ermolaev et al. 2026. PubMed ID: 41827375). It has also been reported in hereditary transthyretin-related amyloidosis-related cohort studies (Rösner et al. 2024. PubMed ID: 39458146; Table S5, Bhatt et al. 2024. PubMed ID: 39575713; Singh et al. 2025. PubMed ID: 41095902). At PreventionGenetics, we have observed this variant in several individuals with features of TTR-related disorders (internal data). This variant is reported in 0.0088% of alleles in individuals of European (non-Finnish) descent in gnomAD. Although we suspect that this variant may be pathogenic, at this time, the clinical significance of this variant is uncertain due to the absence of conclusive functional and genetic evidence.

Labcorp Genetics (formerly Invitae), Labcorp
Classification: Likely pathogenic for Amyloidosis, hereditary systemic 1. Last evaluated: 2026-01-19. Review status: criteria provided, single submitter. Criteria: Invitae Variant Classification Sherloc (09022015). Collection method: clinical testing. Allele origin: germline.
Comment: This sequence change replaces aspartic acid, which is acidic and polar, with histidine, which is basic and polar, at codon 94 of the TTR protein (p.Asp94His). This variant is present in population databases (rs730881164, gnomAD 0.009%). This missense change has been observed in individual(s) with clinical features of hATTR amyloidosis and/or hereditary transthyretin-mediated amyloidosis (hATTR amyloidosis) (PMID: 29121657, 32376792, 34658264, 39575713; internal data). ClinVar contains an entry for this variant (Variation ID: 181695). Invitae Evidence Modeling of protein sequence and biophysical properties (such as structural, functional, and spatial information, amino acid conservation, physicochemical variation, residue mobility, and thermodynamic stability) indicates that this missense variant is expected to disrupt TTR protein function with a positive predictive value of 95%. In summary, the currently available evidence indicates that the variant is pathogenic, but additional data are needed to prove that conclusively. Therefore, this variant has been classified as Likely Pathogenic.

Women's Health and Genetics/Laboratory Corporation of America, LabCorp
Classification: Uncertain significance. Last evaluated: 2025-04-04. Review status: criteria provided, single submitter. Criteria: LabCorp Variant Classification Summary - May 2015. Collection method: clinical testing. Allele origin: germline.
Comment: Variant summary: TTR c.280G>C (p.Asp94His) results in a non-conservative amino acid change located in the Transthyretin/hydroxyisourate hydrolase domain (IPR023416) of the encoded protein sequence. Four of five in-silico tools predict a damaging effect of the variant on protein function. The variant allele was found at a frequency of 4.4e-05 in 251446 control chromosomes. The observed variant frequency is approximately 1.4 fold of the estimated maximal expected allele frequency for a pathogenic variant in TTR causing Transthyretin Amyloidosis phenotype (3.1e-05). c.280G>C has been reported in the literature as a non-amyloidogenic variant that was found in seven unrelated families with no personal history of amyloidosis nor thyroid disorders and was considered as a frequent polymorphism in the German population (example, Uemichi_1994). It has subsequently been reported in settings of multigene panel testing within cohorts of individuals with hypertrophic cardiomyopathy (HCM) and Charcot-Marie -Tooth disease (example, Viswanathan_2017, Volodarsky_2021). Furthermore, recent reports have categorized this among TTR gene variants that do not affect function (example, Pueyo_2019). In addition, this variant has been reported in individuals affected with Hereditary Transthyretin-Related Amyloidosis (Skrahina_2021, Bhatt_2024). To our knowledge, no experimental evidence demonstrating an impact on protein function has been reported. The following publications have been ascertained in the context of this evaluation (PMID: 39575713, 30683924, 34658264, 29121657, 32376792, NO_PMID). ClinVar contains an entry for this variant (Variation ID: 181695). Based on the evidence outlined above, the variant was classified as uncertain significance.

Mayo Clinic Laboratories, Mayo Clinic
Classification: Uncertain significance. Last evaluated: 2024-12-24. Review status: criteria provided, single submitter. Criteria: ACMG Guidelines, 2015. Collection method: clinical testing. Allele origin: germline. Observed: 1 variant allele.
Comment: PP2, PP3_moderate, PM2_supporting

ARUP Laboratories, Molecular Genetics and Genomics, ARUP Laboratories
Classification: Uncertain significance. Last evaluated: 2024-09-13. Review status: criteria provided, single submitter. Criteria: ARUP Molecular Germline Variant Investigation Process 2024. Collection method: clinical testing. Allele origin: germline.
Comment: The TTR c.280G>C; p.Asp94His variant (rs730881164, ClinVar Variation ID 181695) is reported infrequently in individuals with cardiomyopathy and polyneuropathy (Skrahina 2021, Viswanathan 2017, Volodarsky 2021). This variant is found predominantly in the non-Finnish European population with an allele frequency of 0.009% (10/113730 alleles) in the Genome Aggregation Database (v2.1.1). Computational analyses predict that this variant is deleterious (REVEL: 0.842). Due to limited information, the clinical significance of this variant is uncertain at this time. References: Skrahina V et al. Hereditary transthyretin-related amyloidosis is frequent in polyneuropathy and cardiomyopathy of no obvious aetiology. Ann Med. 2021 Dec. PMID: 34658264. Viswanathan SK et al. Hypertrophic cardiomyopathy clinical phenotype is independent of gene mutation and mutation dosage. PLoS One. 2017 PMID: 29121657. Volodarsky M et al. Comprehensive genetic sequence and copy number analysis for Charcot-Marie-Tooth disease in a Canadian cohort of 2517 patients. J Med Genet. 2021 Apr. PMID: 32376792.

GeneDx
Classification: Uncertain significance. Last evaluated: 2024-07-31. Review status: criteria provided, single submitter. Criteria: GeneDx Variant Classification Process June 2021. Collection method: clinical testing. Allele origin: germline. Affected: yes.
Comment: Reported in one individual with hypertrophic cardiomyopathy (HCM) and one individual with suspected Charcot-Marie-Tooth disease (CMT) (PMID: 29121657, 32376792); Identified in 7 out of 4,000 pregnant German women with no family history of amyloidosis or thyroid disorder; reported as a common variant in the German population; denoted as D74H by alternative nomenclature (Uemichi et al. (1994) Amyloid: The Journal of Protein Folding Disorders 1 (3) :149-53); In silico analysis supports that this missense variant has a deleterious effect on protein structure/function; This variant is associated with the following publications: (PMID: 14640030, 32376792, 34658264, 29121657)

Fulgent Genetics
Classification: Uncertain significance for Amyloidosis, hereditary systemic 1; Carpal tunnel syndrome 1; Hyperthyroxinemia, dystransthyretinemic. Last evaluated: 2024-06-19. Review status: criteria provided, single submitter. Criteria: ACMG Guidelines, 2015. Collection method: clinical testing. Allele origin: germline.

NM_000371.4(TTR):c.280G>C (p.Asp94His)

Gene: TTR (transthyretin; plus strand). Cytogenetic location: 18q12.1.
Variant type: single nucleotide variant.
Coding change: c.280G>C on transcript NM_000371.4 (MANE Select); coding-DNA position 280, G replaced by C.
Protein change: p.Asp94His; replaces aspartic acid 94 with histidine.
Molecular consequence: missense variant.
Genome position (GRCh38, 1-based): chr18:31,595,199, G>C. VCF-style: chr18-31595199-G-C. GRCh37 (hg19) VCF-style: chr18-29175162-G-C.
Other names: p.D94H:GAC>CAC; short protein forms D94H.
Identifiers: ClinVar variation 181695 (VCV000181695.107), dbSNP rs730881164, ClinGen allele CA297523.